The following is an entry in ClinVar:

ClinVar aggregate classification (germline): Pathogenic (1 of 4 stars; one submission).

Submission:

Labcorp Genetics (formerly Invitae), Labcorp
Classification: Pathogenic. Last evaluated: 2022-10-28. Review status: criteria provided, single submitter. Criteria: Invitae Variant Classification Sherloc (09022015). Collection method: clinical testing. Allele origin: germline.
Comment: This variant disrupts a region of the USH2A protein in which other variant(s) (p.Ile5166Val) have been determined to be pathogenic (PMID: 26969326, 27460420, 32531858). This suggests that this is a clinically significant region of the protein, and that variants that disrupt it are likely to be disease-causing. For these reasons, this variant has been classified as Pathogenic. Algorithms developed to predict the effect of sequence changes on RNA splicing suggest that this variant may create or strengthen a splice site. This variant has not been reported in the literature in individuals affected with USH2A-related conditions. This variant is not present in population databases (gnomAD no frequency). This sequence change creates a premature translational stop signal (p.Asn5130Lysfs*48) in the USH2A gene. While this is not anticipated to result in nonsense mediated decay, it is expected to disrupt the last 73 amino acid(s) of the USH2A protein.

Literature cited by the submitters: PubMed 26969326; PubMed 27460420; PubMed 32531858.

NM_206933.4(USH2A):c.15389dup (p.Asn5130fs)

Gene: USH2A (usherin; minus strand). Cytogenetic location: 1q41.
Variant type: Duplication.
Coding change: c.15389dup on transcript NM_206933.4 (MANE Select); coding-DNA position 15389, one base duplicated (A; older notation c.15389dupA).
Protein change: p.Asn5130fs; shifts the reading frame from asparagine 5130.
Molecular consequence: frameshift variant.
Genome position (GRCh38, 1-based): chr1:215,628,944, T duplicated on the plus strand (A on the coding strand, the reverse complement: USH2A is on the minus strand); the first of 4 consecutive T bases (chr1:215,628,944-215,628,947); duplicating any one gives the same sequence. VCF-style (leftmost placement, unchanged base first): chr1-215628943-G-GT. GRCh37 (hg19) VCF-style: chr1-215802285-G-GT.
Other names: short protein forms N5130fs.
Identifiers: ClinVar variation 1925533 (VCV001925533.5), dbSNP rs1656161931, ClinGen allele CA1220354583.